The following is an entry in ClinVar:

ClinVar aggregate classification (germline): Uncertain significance. Review status: criteria provided, multiple submitters, no conflicts (2 of 4 stars). 3 submissions from 3 submitters: Uncertain significance (3). Last evaluated 2023-05-08.

Conditions:
Autosomal recessive limb-girdle muscular dystrophy type 2J (LGMDR10). Also called: Limb-girdle muscular dystrophy, type 2J; MUSCULAR DYSTROPHY, LIMB-GIRDLE, AUTOSOMAL RECESSIVE 10. Identifiers: Orphanet 140922, MedGen C1837342, MONDO:0012127, OMIM 608807.
Dilated cardiomyopathy 1G (CMD1G). Identifiers: Orphanet 154, MedGen C1858763, MONDO:0011400, OMIM 604145.

Allele frequency attached by ClinVar (database versions not stated): gnomAD 0.00001; gnomAD exomes 0.00001 and 0.00002; TOPMed 0.00001; ExAC 0.00003.
gnomAD v4.1: 10 of 1,612,292 alleles (0.00062%); highest among the groups gnomAD compares: South Asian, 0.0011%; no homozygotes.

Submissions (3):

Blueprint Genetics
Classification: Uncertain significance. Last evaluated: 2023-05-08. Review status: criteria provided, single submitter. Criteria: ACMG Guidelines, 2015. Collection method: clinical testing. Allele origin: germline.

Labcorp Genetics (formerly Invitae), Labcorp
Classification: Uncertain significance for Dilated cardiomyopathy 1G; Autosomal recessive limb-girdle muscular dystrophy type 2J. Last evaluated: 2016-09-04. Review status: criteria provided, single submitter. Criteria: Invitae Variant Classification Sherloc (09022015). Collection method: clinical testing. Allele origin: germline.

Laboratory for Molecular Medicine, Mass General Brigham Personalized Medicine
Classification: Uncertain significance. Last evaluated: 2015-05-27. Review status: criteria provided, single submitter. Criteria: LMM Criteria. Collection method: clinical testing. Allele origin: germline. Observed: 1 variant allele.
Comment: The p.Glu13852Lys variant in TTN has not been previously reported in individuals with cardiomyopathy, but has been indentified in 3/66084 European chromosomes b y the Exome Aggregation Consortium (ExAC). Compu tational prediction tools and conservation analysis suggest that the p.Glu13852L ys variant may impact the protein, though this information is not predictive eno ugh to determine pathogenicity. In summary, the clinical significance of the p.G lu13852Lys variant is uncertain.

NM_001267550.2(TTN):c.49258G>A (p.Glu16420Lys)

Genes: TTN-AS1 (TTN antisense RNA 1; plus strand), TTN (titin; minus strand), LOC126806426 (BRD4-independent group 4 enhancer GRCh37_chr2:179478848-179480047; plus strand). Cytogenetic location: 2q31.2.
Variant type: single nucleotide variant.
Coding change: c.49258G>A on transcript NM_001267550.2 (MANE Select); coding-DNA position 49258, G replaced by A.
Protein change: p.Glu16420Lys; replaces glutamic acid 16420 with lysine.
Molecular consequence: missense variant. On other transcripts: non-coding transcript variant (1).
Genome position (GRCh38, 1-based): chr2:178,614,139, C>T on the plus strand (G>A on the coding strand, the complement: TTN is on the minus strand). VCF-style: chr2-178614139-C-T. GRCh37 (hg19) VCF-style: chr2-179478866-C-T.
Other names: c.41554G>A, p.Glu13852Lys (NM_133378.4); c.44335G>A, p.Glu14779Lys (NM_001256850.1); c.22063G>A, p.Glu7355Lys (NM_003319.4); c.22438G>A, p.Glu7480Lys (NM_133432.3); c.22639G>A, p.Glu7547Lys (NM_133437.4); short protein forms E13852K, E16420K, E7355K, E7480K, E14779K, E7547K.
Identifiers: ClinVar variation 229447 (VCV000229447.8), dbSNP rs764682084, ClinGen allele CA1994643.